The following continues an entry in ClinVar:

NM_007294.4(BRCA1):c.5468-1G>A

Gene: BRCA1. ClinVar aggregate classification (germline): Pathogenic. Pathogenic (1).

Submissions 8 to 12 of 12:

National Health Laboratory Service, Universitas Academic Hospital and University of the Free State
Classification: Pathogenic for Hereditary breast ovarian cancer syndrome. Last evaluated: 2021-11-16. Review status: criteria provided, single submitter. Criteria: ACMG Guidelines, 2015. Collection method: clinical testing. Allele origin: germline. Affected: yes. Observed: 1 variant allele. Not counted in ClinVar's aggregate classification.

Consortium of Investigators of Modifiers of BRCA1/2 (CIMBA), c/o University of Cambridge
Classification: Pathogenic for Breast-ovarian cancer, familial, susceptibility to, 1. Last evaluated: 2015-10-02. Review status: criteria provided, single submitter. Criteria: CIMBA Mutation Classification guidelines May 2016. Collection method: clinical testing. Allele origin: germline. Not counted in ClinVar's aggregate classification.

King Laboratory, University of Washington
Classification: Pathogenic for Hereditary breast and ovarian cancer syndrome; Breast-ovarian cancer, familial 1. Last evaluated: 2019-09-01. Review status: no assertion criteria provided. Collection method: research. Allele origin: germline. Affected: yes. Not counted in ClinVar's aggregate classification.
Comment: Transcript analysis by cBROCA

Breast Cancer Information Core (BIC) (BRCA1)
Classification: Pathogenic for Breast-ovarian cancer, familial 1. Last evaluated: 2003-12-23. Review status: no assertion criteria provided. Collection method: clinical testing. Allele origin: germline. Affected: yes. Observed: 1 variant allele. Not counted in ClinVar's aggregate classification.

Brotman Baty Institute, University of Washington
No classification provided (evidence only). Condition: Breast-ovarian cancer, familial 1. Review status: no classification provided. Collection method: in vitro. Allele origin: not applicable. Functional consequence: functionally_abnormal. Not counted in ClinVar's aggregate classification.
ClinVar note: "not provided" was previously submitted as the classification for the variant. However, the classification appeared to be based only on an observation of functional data so it was converted to no classification on 2025-07-30.

Literature cited by the submitters: PubMed 31131967 (cited by 4 submitters); PubMed 32438681 (cited by Quest Diagnostics Nichols Institute San Juan Capistrano); PubMed 30209399 (cited by 4 submitters); PubMed 30078507 (cited by Quest Diagnostics Nichols Institute San Juan Capistrano); PubMed 29446198 (cited by 3 submitters); PubMed 29280214 (cited by 3 submitters); PubMed 28724667 (cited by 4 submitters); PubMed 31336956 (cited by Quest Diagnostics Nichols Institute San Juan Capistrano); PubMed 31409081 (cited by Quest Diagnostics Nichols Institute San Juan Capistrano); PubMed 34034685 (cited by Quest Diagnostics Nichols Institute San Juan Capistrano); PubMed 35464868 (cited by Quest Diagnostics Nichols Institute San Juan Capistrano and Color Diagnostics, LLC DBA Color Health); PubMed 39041507 (cited by Quest Diagnostics Nichols Institute San Juan Capistrano); PubMed 30103829 (cited by Labcorp Genetics (formerly Invitae), Labcorp); PubMed 11573086 (cited by Labcorp Genetics (formerly Invitae), Labcorp); PubMed 14576433 (cited by Labcorp Genetics (formerly Invitae), Labcorp); PubMed 15133503 (cited by Labcorp Genetics (formerly Invitae), Labcorp); PubMed 25652403 (cited by Labcorp Genetics (formerly Invitae), Labcorp); PubMed 21922593 (cited by Labcorp Genetics (formerly Invitae), Labcorp); PubMed 10811118 (cited by Labcorp Genetics (formerly Invitae), Labcorp); PubMed 11739404 (cited by Labcorp Genetics (formerly Invitae), Labcorp); PubMed 12400015 (cited by Labcorp Genetics (formerly Invitae), Labcorp); PubMed 7894493 (cited by Labcorp Genetics (formerly Invitae), Labcorp); PubMed 31843900 (cited by 3 submitters); DOI 10.3389/fgene.2022.834265 (cited by National Health Laboratory Service, Universitas Academic Hospital and University of the Free State).